The following is an entry in ClinVar:

NM_000444.6(PHEX):c.1985dup (p.Asn662fs)

Genes: PHEX (phosphate regulating endopeptidase X-linked; plus strand), PTCHD1-AS (PTCHD1 and PHEX antisense RNA; minus strand). Cytogenetic location: Xp22.11.
Variant type: Duplication.
Coding change: c.1985dup on transcript NM_000444.6 (MANE Select); coding-DNA position 1985, one base duplicated (A; older notation c.1985dupA).
Protein change: p.Asn662fs; shifts the reading frame from asparagine 662.
Molecular consequence: frameshift variant. On other transcripts: non-coding transcript variant (1).
Genome position (GRCh38, 1-based): chrX:22,227,526, A duplicated; the last of 3 consecutive A bases (chrX:22,227,524-22,227,526); duplicating any one gives the same sequence. VCF-style (leftmost placement, unchanged base first): chrX-22227523-T-TA. GRCh37 (hg19) VCF-style: chrX-22245640-T-TA.
Other names: c.1985dup, p.Asn662fs (NM_001282754.2); short protein forms N662fs.
Identifiers: ClinVar variation 1999974 (VCV001999974.4), dbSNP rs2147184613, ClinGen allele CA2580100531.

ClinVar aggregate classification (germline): Pathogenic (1 of 4 stars; one submission).

Submission:

Labcorp Genetics (formerly Invitae), Labcorp
Classification: Pathogenic. Last evaluated: 2022-05-28. Review status: criteria provided, single submitter. Criteria: Invitae Variant Classification Sherloc (09022015). Collection method: clinical testing. Allele origin: germline.
Comment: This sequence change creates a premature translational stop signal (p.Asn662Lysfs*2) in the PHEX gene. It is expected to result in an absent or disrupted protein product. Loss-of-function variants in PHEX are known to be pathogenic (PMID: 9097956, 9106524, 19219621). This variant is not present in population databases (gnomAD no frequency). This variant has not been reported in the literature in individuals affected with PHEX-related conditions. For these reasons, this variant has been classified as Pathogenic.

Literature cited by the submitters: PubMed 9097956; PubMed 9106524; PubMed 19219621.